The following is an entry in ClinVar:

ClinVar aggregate classification (germline): Uncertain significance (1 of 4 stars; one submission).

Allele frequency attached by ClinVar (database versions not stated): TOPMed below 0.00001; gnomAD 0.00001; gnomAD exomes 0.00002; ExAC 0.00003.
gnomAD v4.1: 16 of 1,581,124 alleles (0.001%); highest among the groups gnomAD compares: South Asian, 0.014%; no homozygotes.

Submission:

Labcorp Genetics (formerly Invitae), Labcorp
Classification: Uncertain significance. Last evaluated: 2016-09-26. Review status: criteria provided, single submitter. Criteria: Invitae Variant Classification Sherloc (09022015). Collection method: clinical testing. Allele origin: germline.
Comment: In summary, this is a rare intronic change with uncertain impact on splicing. It has been classified as a Variant of Uncertain Significance. Algorithms developed to predict the effect of sequence changes on RNA splicing suggest that this variant may alter RNA splicing, but this prediction has not been confirmed by published transcriptional studies. This variant is present in population databases (rs758769558, ExAC 0.02%) but has not been reported in the literature in individuals with a PARK2-related disease. This sequence change falls in intron 2 of the PARK2 gene. It does not directly change the encoded amino acid sequence of the PARK2 protein.

NM_004562.3(PRKN):c.172-9C>G

Gene: PRKN (parkin RBR E3 ubiquitin protein ligase; minus strand). Cytogenetic location: 6q26.
Variant type: single nucleotide variant.
Coding change: c.172-9C>G on transcript NM_004562.3 (MANE Select); 9 bases into the intron before coding-DNA position 172, C replaced by G.
Molecular consequence: intron variant.
Genome position (GRCh38, 1-based): chr6:162,262,774, G>C on the plus strand (C>G on the coding strand, the complement: PRKN is on the minus strand). VCF-style: chr6-162262774-G-C. GRCh37 (hg19) VCF-style: chr6-162683806-G-C.
Other names: c.171+180536C>G (NM_013988.3); c.172-9C>G (NM_013987.3).
Identifiers: ClinVar variation 409271 (VCV000409271.10), dbSNP rs758769558, ClinGen allele CA4090458.